The following is an entry in ClinVar:

ClinVar aggregate classification (germline): Uncertain significance (1 of 4 stars; one submission).

Conditions:
Inborn genetic diseases. Identifiers: MedGen C0950123, MeSH D030342.

gnomAD v4.1: 1 of 1,599,724 alleles (0.000063%); highest among the groups gnomAD compares: Admixed American, 0.0017%; no homozygotes.

Submission:

Ambry Genetics
Classification: Uncertain significance for Inborn genetic diseases. Last evaluated: 2026-04-14. Review status: criteria provided, single submitter. Criteria: Ambry Variant Classification Scheme 2023. Collection method: clinical testing. Allele origin: germline.
Comment: The c.2131G>A (p.A711T) alteration is located in exon 16 (coding exon 16) of the SMCHD1 gene. This alteration results from a G to A substitution at nucleotide position 2131, causing the alanine (A) at amino acid position 711 to be replaced by a threonine (T). Based on data from gnomAD, the A allele has an overall frequency of <0.001% (0/243448) total alleles studied. The highest observed frequency was <0.001% (/) of alleles. Based on insufficient or conflicting evidence, the clinical significance of this alteration remains unclear.

NM_015295.3(SMCHD1):c.2131G>A (p.Ala711Thr)

Gene: SMCHD1 (structural maintenance of chromosomes flexible hinge domain containing 1; plus strand). Cytogenetic location: 18p11.32.
Variant type: single nucleotide variant.
Coding change: c.2131G>A on transcript NM_015295.3 (MANE Select); coding-DNA position 2131, G replaced by A.
Protein change: p.Ala711Thr; replaces alanine 711 with threonine.
Molecular consequence: missense variant.
Genome position (GRCh38, 1-based): chr18:2,707,630, G>A. VCF-style: chr18-2707630-G-A. GRCh37 (hg19) VCF-style: chr18-2707628-G-A.
Other names: short protein forms A711T.
Identifiers: ClinVar variation 4864889 (VCV004864889.1).